The following is an entry in ClinVar:

ClinVar aggregate classification (germline): Benign/Likely benign. Review status: criteria provided, multiple submitters, no conflicts (2 of 4 stars). 4 submissions from 4 submitters: Benign (3); Likely benign (1). Last evaluated 2024-10-30.

Allele frequency attached by ClinVar (database versions not stated): ESP Exome Variant Server 0.00008; gnomAD 0.00171 and 0.00209; ExAC 0.00406; TOPMed 0.00425; gnomAD exomes 0.00481; 1000 Genomes Project 0.00879; 1000 Genomes Project 30x 0.00984.
gnomAD v4.1: 2,376 of 1,613,980 alleles (0.15%); highest among the groups gnomAD compares: Admixed American, 2.6%; 40 homozygotes.

Submissions (4):

Blueprint Genetics
Classification: Likely benign. Last evaluated: 2024-10-30. Review status: criteria provided, single submitter. Criteria: ACMG Guidelines, 2015. Collection method: clinical testing. Allele origin: germline.

Mayo Clinic Laboratories, Mayo Clinic
Classification: Benign. Last evaluated: 2023-10-02. Review status: criteria provided, single submitter. Criteria: ACMG Guidelines, 2015. Collection method: clinical testing. Allele origin: germline. Observed: 11 variant alleles.
Comment: BS1, BS2, BP4

Labcorp Genetics (formerly Invitae), Labcorp
Classification: Benign. Last evaluated: 2019-12-31. Review status: criteria provided, single submitter. Criteria: Invitae Variant Classification Sherloc (09022015). Collection method: clinical testing. Allele origin: germline.

Breakthrough Genomics
Classification: Benign. Review status: criteria provided, single submitter. Criteria: ACMG Guidelines, 2015. Collection method: not provided. Allele origin: germline. Inheritance: Autosomal recessive inheritance. Affected: yes.

NM_001465.6(FYB1):c.995A>G (p.Lys332Arg)

Gene: FYB1 (FYN binding protein 1; minus strand). Cytogenetic location: 5p13.1.
Variant type: single nucleotide variant.
Coding change: c.995A>G on transcript NM_001465.6 (MANE Select); coding-DNA position 995, A replaced by G.
Protein change: p.Lys332Arg; replaces lysine 332 with arginine.
Molecular consequence: missense variant.
Genome position (GRCh38, 1-based): chr5:39,201,966, T>C on the plus strand (A>G on the coding strand, the complement: FYB1 is on the minus strand). VCF-style: chr5-39201966-T-C. GRCh37 (hg19) VCF-style: chr5-39202068-T-C.
Other names: p.Lys332Arg; c.1025A>G, p.Lys342Arg (NM_001243093.2, NM_018594.2); c.995A>G, p.Lys332Arg (NM_001349333.2, NM_199335.5); short protein forms K342R, K332R.
Identifiers: ClinVar variation 778318 (VCV000778318.7), dbSNP rs3749741, ClinGen allele CA3246359.